The following is an entry in ClinVar:

NM_005245.4(FAT1):c.675G>A (p.Ala225=)

Gene: FAT1 (FAT atypical cadherin 1; minus strand). Cytogenetic location: 4q35.2.
Variant type: single nucleotide variant.
Coding change: c.675G>A on transcript NM_005245.4 (MANE Select); coding-DNA position 675, G replaced by A.
Protein change: p.Ala225=; no amino-acid change (alanine 225 retained).
Molecular consequence: synonymous variant.
Genome position (GRCh38, 1-based): chr4:186,709,153, C>T on the plus strand (G>A on the coding strand, the complement: FAT1 is on the minus strand). VCF-style: chr4-186709153-C-T. GRCh37 (hg19) VCF-style: chr4-187630307-C-T.
Identifiers: ClinVar variation 2629466 (VCV002629466.4), dbSNP rs141154871, ClinGen allele CA3167620.

ClinVar aggregate classification (germline): Conflicting classifications of pathogenicity. Review status: criteria provided, conflicting classifications (1 of 4 stars). 2 submissions from 2 submitters: Uncertain significance (1); Likely benign (1). Last evaluated 2025-06-12.

Conditions:
FAT1-related disorder. Also called: FAT1-related condition.

Allele frequency attached by ClinVar (database versions not stated): ExAC 0.00005; 1000 Genomes Project 0.00040; gnomAD 0.00009; 1000 Genomes Project 30x 0.00031.
gnomAD v4.1: 121 of 1,613,934 alleles (0.0075%); highest among the groups gnomAD compares: East Asian, 0.25%; 1 homozygote.

Submissions (2):

Labcorp Genetics (formerly Invitae), Labcorp
Classification: Likely benign. Last evaluated: 2025-06-12. Review status: criteria provided, single submitter. Criteria: Invitae Variant Classification Sherloc (09022015). Collection method: clinical testing. Allele origin: germline.

PreventionGenetics, part of Exact Sciences
Classification: Uncertain significance for FAT1-related condition. Last evaluated: 2022-12-20. Review status: criteria provided, single submitter. Criteria: ACMG Guidelines, 2015. Collection method: clinical testing. Allele origin: germline.
Comment: The FAT1 c.675G>A variant is not predicted to result in an amino acid change (p.=). This variant is predicted to possibly alter splicing based on available splicing prediction programs (Alamut Visual Plus v1.6.1). To our knowledge, this variant has not been reported in the literature. This variant is reported in 0.022% of alleles in individuals of East Asian descent in gnomAD. At this time, the clinical significance of this variant is uncertain due to the absence of conclusive functional and genetic evidence.